The following is an entry in ClinVar:

ClinVar aggregate classification (germline): Uncertain significance (1 of 4 stars; one submission).

Conditions:
Charcot-Marie-Tooth Neuropathy X. Identifiers: MedGen CN118851.

Submission:

Labcorp Genetics (formerly Invitae), Labcorp
Classification: Uncertain significance for Charcot-Marie-Tooth Neuropathy X. Last evaluated: 2020-04-19. Review status: criteria provided, single submitter. Criteria: Invitae Variant Classification Sherloc (09022015). Collection method: clinical testing. Allele origin: germline.
Comment: This variant disrupts the p.Asn205 amino acid residue in GJB1. Other variant(s) that disrupt this residue have been determined to be pathogenic (PMID: 24327141, 10071100, 9452099). This suggests that this residue is clinically significant, and that variants that disrupt this residue are likely to be disease-causing. Algorithms developed to predict the effect of sequence changes on RNA splicing suggest that this variant may create or strengthen a splice site, but this prediction has not been confirmed by published transcriptional studies. Algorithms developed to predict the effect of missense changes on protein structure and function (SIFT, PolyPhen-2, Align-GVGD) all suggest that this variant is likely to be disruptive, but these predictions have not been confirmed by published functional studies and their clinical significance is uncertain. This variant has been observed in individual(s) with clinical features of Charcot-Marie-Tooth disease (Invitae). This variant is not present in population databases (ExAC no frequency). This sequence change replaces asparagine with lysine at codon 205 of the GJB1 protein (p.Asn205Lys). The asparagine residue is highly conserved and there is a moderate physicochemical difference between asparagine and lysine. In summary, the available evidence is currently insufficient to determine the role of this variant in disease. Therefore, it has been classified as a Variant of Uncertain Significance.

Literature cited by the submitters: PubMed 24327141; PubMed 10071100; PubMed 9452099.

NM_000166.6(GJB1):c.615T>A (p.Asn205Lys)

Gene: GJB1 (gap junction protein beta 1; plus strand). Cytogenetic location: Xq13.1.
Variant type: single nucleotide variant.
Coding change: c.615T>A on transcript NM_000166.6 (MANE Select); coding-DNA position 615, T replaced by A.
Protein change: p.Asn205Lys; replaces asparagine 205 with lysine.
Molecular consequence: missense variant.
Genome position (GRCh38, 1-based): chrX:71,224,322, T>A. VCF-style: chrX-71224322-T-A. GRCh37 (hg19) VCF-style: chrX-70444172-T-A.
Other names: c.615T>A, p.Asn205Lys (NM_001097642.3); short protein forms N205K.
Identifiers: ClinVar variation 1009327 (VCV001009327.8), dbSNP rs2092545880, ClinGen allele CA413503297.